The following is an entry in ClinVar:

ClinVar aggregate classification (germline): Uncertain significance (1 of 4 stars; one submission).

Conditions:
Immunodeficiency 104. Also called: SCID, AUTOSOMAL RECESSIVE, T CELL-NEGATIVE, B CELL-POSITIVE, NK CELL-POSITIVE; Severe Combined Immune Deficiency, Autosomal Recessive, TCell -Negative, B Cell-Positive, NK Cell-Positive, IL7R-Related; Severe combined immunodeficiency, autosomal recessive, T cell-negative, B cell-positive, NK cell-positive; IMMUNODEFICIENCY 104, SEVERE COMBINED. Identifiers: MedGen C5676890, MONDO:0012163, OMIM 608971.

Allele frequency attached by ClinVar (database versions not stated): gnomAD exomes below 0.00001.
gnomAD v4.1: 1 of 1,614,202 alleles (0.000062%); highest among the groups gnomAD compares: Non-Finnish European, 0.000085%; no homozygotes.

Submission:

Labcorp Genetics (formerly Invitae), Labcorp
Classification: Uncertain significance for Severe combined immunodeficiency, autosomal recessive, T cell-negative, B cell-positive, NK cell-positive. Last evaluated: 2018-08-08. Review status: criteria provided, single submitter. Criteria: Invitae Variant Classification Sherloc (09022015). Collection method: clinical testing. Allele origin: germline.
Comment: This sequence change replaces alanine with glycine at codon 132 of the PTPRC protein (p.Ala132Gly). The alanine residue is weakly conserved and there is a small physicochemical difference between alanine and glycine. This variant is not present in population databases (ExAC no frequency). This variant has not been reported in the literature in individuals with PTPRC-related disease. Algorithms developed to predict the effect of missense changes on protein structure and function output the following: SIFT: "Tolerated"; PolyPhen-2: "Benign"; Align-GVGD: "Class C0". The glycine amino acid residue is found in multiple mammalian species, suggesting that this missense change does not adversely affect protein function. These predictions have not been confirmed by published functional studies and their clinical significance is uncertain. In summary, the available evidence is currently insufficient to determine the role of this variant in disease. Therefore, it has been classified as a Variant of Uncertain Significance.

NM_002838.5(PTPRC):c.395C>G (p.Ala132Gly)

Gene: PTPRC (protein tyrosine phosphatase receptor type C; plus strand). Cytogenetic location: 1q31.3.
Variant type: single nucleotide variant.
Coding change: c.395C>G on transcript NM_002838.5 (MANE Select); coding-DNA position 395, C replaced by G.
Protein change: p.Ala132Gly; replaces alanine 132 with glycine.
Molecular consequence: missense variant. On other transcripts: intron variant (1).
Genome position (GRCh38, 1-based): chr1:198,699,660, C>G. VCF-style: chr1-198699660-C-G. GRCh37 (hg19) VCF-style: chr1-198668789-C-G.
Other names: c.101-3638C>G (NM_080921.4); short protein forms A132G.
Identifiers: ClinVar variation 648129 (VCV000648129.1), dbSNP rs1571847562, ClinGen allele CA344097308.
Genomic context (GRCh38, chr1:198,699,660, plus strand): 5'-ACGCAGACTCGCAGACGCCCTCTGCTGGAACTGACACGCAGACATTCAGCGGCTCCGCCG[C>G]CAATGCAAAACTCAACCCTACCCCAGGCAGCAATGCTATCTCAGGTTTGCGGGTCCTTTA-3'
Protein context (NP_002829.3, residues 122-142): TDTQTFSGSA[Ala132Gly]NAKLNPTPGS